The following is an entry in ClinVar:

NM_002609.4(PDGFRB):c.191G>A (p.Arg64Gln)

Gene: PDGFRB (platelet derived growth factor receptor beta; minus strand). Cytogenetic location: 5q32.
Variant type: single nucleotide variant.
Coding change: c.191G>A on transcript NM_002609.4 (MANE Select); coding-DNA position 191, G replaced by A.
Protein change: p.Arg64Gln; replaces arginine 64 with glutamine.
Molecular consequence: missense variant. On other transcripts: 5 prime UTR variant (2).
Genome position (GRCh38, 1-based): chr5:150,135,728, C>T on the plus strand (G>A on the coding strand, the complement: PDGFRB is on the minus strand). VCF-style: chr5-150135728-C-T. GRCh37 (hg19) VCF-style: chr5-149515291-C-T.
Other names: c.-2G>A (NM_001355016.2); c.-327G>A (NM_001355017.2); short protein forms R64Q.
Identifiers: ClinVar variation 2927921 (VCV002927921.3), dbSNP rs1244128395, ClinGen allele CA361728954.

ClinVar aggregate classification (germline): Uncertain significance (1 of 4 stars; one submission).

Conditions:
Infantile myofibromatosis (IMF). Also called: Congenital generalized fibromatosis. Identifiers: Orphanet 2591, MedGen C0432284, MONDO:0016824.
Skeletal overgrowth-craniofacial dysmorphism-hyperelastic skin-white matter lesions syndrome. Also called: SKELETAL OVERGROWTH WITH FACIAL DYSMORPHISM, HYPERELASTIC SKIN, WHITE MATTER LESIONS, AND NEUROLOGIC DETERIORATION; Kosaki overgrowth syndrome. Identifiers: Orphanet 477831, MedGen C4225270, MONDO:0014704, OMIM 616592.
Acroosteolysis-keloid-like lesions-premature aging syndrome. Also called: Premature aging syndrome, Penttinen type; Prematurely aged appearance, delayed bone maturation, acro-osteolysis, and brachydactyly; Progeroid syndrome, Penttinen type. Identifiers: Orphanet 363665, MedGen C1866182, MONDO:0011150, OMIM 601812.
Basal ganglia calcification, idiopathic, 4 (PFBC4). Also called: Familial Idiopathic Basal Ganglia Calcification 4; PRIMARY FAMILIAL BRAIN CALCIFICATION 4, AUTOSOMAL DOMINANT. Identifiers: Orphanet 1980, MedGen C3554321, MONDO:0014004, OMIM 615007.

Allele frequency attached by ClinVar (database versions not stated): gnomAD 0.00001; gnomAD exomes 0.00001; TOPMed 0.00001.
gnomAD v4.1: 16 of 1,614,010 alleles (0.00099%); highest among the groups gnomAD compares: South Asian, 0.0033%; no homozygotes.

Submission:

Labcorp Genetics (formerly Invitae), Labcorp
Classification: Uncertain significance for Basal ganglia calcification, idiopathic, 4; Skeletal overgrowth-craniofacial dysmorphism-hyperelastic skin-white matter lesions syndrome; Infantile myofibromatosis; Acroosteolysis-keloid-like lesions-premature aging syndrome. Last evaluated: 2024-02-06. Review status: criteria provided, single submitter. Criteria: Invitae Variant Classification Sherloc (09022015). Collection method: clinical testing. Allele origin: germline.
Comment: This sequence change replaces arginine, which is basic and polar, with glutamine, which is neutral and polar, at codon 64 of the PDGFRB protein (p.Arg64Gln). This variant is present in population databases (no rsID available, gnomAD 0.01%). This variant has not been reported in the literature in individuals affected with PDGFRB-related conditions. Advanced modeling of protein sequence and biophysical properties (such as structural, functional, and spatial information, amino acid conservation, physicochemical variation, residue mobility, and thermodynamic stability) performed at Invitae indicates that this missense variant is not expected to disrupt PDGFRB protein function with a negative predictive value of 80%. In summary, the available evidence is currently insufficient to determine the role of this variant in disease. Therefore, it has been classified as a Variant of Uncertain Significance.